The following is an entry in ClinVar:

ClinVar aggregate classification (germline): Likely benign (1 of 4 stars; one submission).

gnomAD v4.1: 45 of 1,611,808 alleles (0.0028%); highest among the groups gnomAD compares: Non-Finnish European, 0.0034%; no homozygotes.

Submission:

CeGaT Center for Human Genetics Tuebingen
Classification: Likely benign. Last evaluated: 2026-09-01. Review status: criteria provided, single submitter. Criteria: CeGaT Center For Human Genetics Tuebingen Variant Classification Criteria Version 2. Collection method: clinical testing. Allele origin: germline. Affected: yes. Observed: 1 variant allele.
Comment: MED16: BP4, BP7

NM_005481.3(MED16):c.2586C>T (p.Pro862=)

Gene: MED16 (mediator complex subunit 16; minus strand). Cytogenetic location: 19p13.3.
Variant type: single nucleotide variant.
Coding change: c.2586C>T on transcript NM_005481.3 (MANE Select); coding-DNA position 2586, C replaced by T.
Protein change: p.Pro862=; no amino-acid change (proline 862 retained).
Molecular consequence: synonymous variant.
Genome position (GRCh38, 1-based): chr19:868,149, G>A on the plus strand (C>T on the coding strand, the complement: MED16 is on the minus strand). VCF-style: chr19-868149-G-A. GRCh37 (hg19) VCF-style: chr19-868149-G-A.
Identifiers: ClinVar variation 5041452 (VCV005041452.1).